The following is an entry in ClinVar:

NM_176787.5(PIGN):c.2228_2251dup (p.Thr750_Leu751insArgIleAsnIleGluGlnGluThr)

Gene: PIGN (phosphatidylinositol glycan anchor biosynthesis class N; minus strand). Cytogenetic location: 18q21.33.
Variant type: Duplication.
Coding change: c.2228_2251dup on transcript NM_176787.5 (MANE Select); coding-DNA positions 2228 to 2251, 24 bases duplicated (GGATAAACATAGAACAAGAAACTC).
Protein change: p.Thr750_Leu751insArgIleAsnIleGluGlnGluThr.
Molecular consequence: inframe insertion.
Genome position (GRCh38, 1-based): chr18:62,090,508-62,090,531, GAGTTTCTTGTTCTATGTTTATCC duplicated on the plus strand (GGATAAACATAGAACAAGAAACTC on the coding strand, the reverse complement: PIGN is on the minus strand). VCF-style (leftmost placement, unchanged base first): chr18-62090507-A-AGAGTTTCTTGTTCTATGTTTATCC. GRCh37 (hg19) VCF-style: chr18-59757740-A-AGAGTTTCTTGTTCTATGTTTATCC.
Other names: c.2228_2251dup, p.Thr750_Leu751insArgIleAsnIleGluGlnGluThr (NM_001438896.1, NM_001438904.1, NM_001438905.1 and 1 more transcripts); c.1826_1849dup, p.Thr616_Leu617insArgIleAsnIleGluGlnGluThr (NM_001438910.1).
Identifiers: ClinVar variation 5005898 (VCV005005898.2).

ClinVar aggregate classification (germline): Uncertain significance (1 of 4 stars; one submission).

Conditions:
Multiple congenital anomalies-hypotonia-seizures syndrome 1 (MCAHS1). Also called: PIGN-CDG; Congenital disorder of glycosylation due to PIGN deficiency; GLYCOSYLPHOSPHATIDYLINOSITOL BIOSYNTHESIS DEFECT 3. Identifiers: Orphanet 280633, MedGen C3279775, MONDO:0013563, OMIM 614080.

Submission:

Juno Genomics, Hangzhou Juno Genomics, Inc
Classification: Uncertain significance for Multiple congenital anomalies-hypotonia-seizures syndrome 1. Review status: criteria provided, single submitter. Criteria: ACMG Guidelines, 2015. Collection method: clinical testing. Allele origin: germline.
Comment: Absent from controls (or at extremely low frequency if recessive) in Genome Aggregation Database.;Protein length changes due to in-frame deletions/insertions in a non-repeat region or stop-loss variants.